The following is an entry in ClinVar:

ClinVar aggregate classification (germline): Uncertain significance (1 of 4 stars; one submission).

Conditions:
Myofibrillar myopathy 6. Identifiers: Orphanet 199340, MedGen C2751831, MONDO:0013061, OMIM 612954.
Dilated cardiomyopathy 1HH (CMD1HH). Identifiers: Orphanet 154, MedGen C3151293, MONDO:0013479, OMIM 613881.

Allele frequency attached by ClinVar (database versions not stated): gnomAD exomes below 0.00001.
gnomAD v4.1: 1 of 1,614,114 alleles (0.000062%); highest among the groups gnomAD compares: Non-Finnish European, 0.000085%; no homozygotes.

Submission:

Labcorp Genetics (formerly Invitae), Labcorp
Classification: Uncertain significance for Dilated cardiomyopathy 1HH; Myofibrillar myopathy 6. Last evaluated: 2025-04-17. Review status: criteria provided, single submitter. Criteria: Invitae Variant Classification Sherloc (09022015). Collection method: clinical testing. Allele origin: germline.
Comment: This sequence change replaces lysine, which is basic and polar, with asparagine, which is neutral and polar, at codon 361 of the BAG3 protein (p.Lys361Asn). This variant is not present in population databases (gnomAD no frequency). This variant has not been reported in the literature in individuals affected with BAG3-related conditions. ClinVar contains an entry for this variant (Variation ID: 1008894). Invitae Evidence Modeling of protein sequence and biophysical properties (such as structural, functional, and spatial information, amino acid conservation, physicochemical variation, residue mobility, and thermodynamic stability) indicates that this missense variant is not expected to disrupt BAG3 protein function with a negative predictive value of 80%. In summary, the available evidence is currently insufficient to determine the role of this variant in disease. Therefore, it has been classified as a Variant of Uncertain Significance.

NM_004281.4(BAG3):c.1083G>C (p.Lys361Asn)

Gene: BAG3 (BAG cochaperone 3; plus strand). Cytogenetic location: 10q26.11.
Variant type: single nucleotide variant.
Coding change: c.1083G>C on transcript NM_004281.4 (MANE Select); coding-DNA position 1083, G replaced by C.
Protein change: p.Lys361Asn; replaces lysine 361 with asparagine.
Molecular consequence: missense variant.
Genome position (GRCh38, 1-based): chr10:119,676,637, G>C. VCF-style: chr10-119676637-G-C. GRCh37 (hg19) VCF-style: chr10-121436149-G-C.
Other names: short protein forms K361N.
Identifiers: ClinVar variation 1008894 (VCV001008894.8), dbSNP rs1060504722, ClinGen allele CA378296604.